The following is an entry in ClinVar:

ClinVar aggregate classification (germline): Uncertain significance. Review status: criteria provided, multiple submitters, no conflicts (2 of 4 stars). 4 submissions from 4 submitters: Uncertain significance (4). Last evaluated 2026-10-20.

Conditions:
Inborn genetic diseases. Identifiers: MedGen C0950123, MeSH D030342.

Allele frequency attached by ClinVar (database versions not stated): gnomAD 0.00021.

Submissions (4):

GeneDx
Classification: Uncertain significance. Last evaluated: 2026-10-20. Review status: criteria provided, single submitter. Criteria: GeneDx Variant Classification Process June 2021. Collection method: clinical testing. Allele origin: germline.
Comment: In silico analysis supports that this missense variant has a deleterious effect on protein structure/function; Has not been previously published as pathogenic or benign to our knowledge

Ambry Genetics
Classification: Uncertain significance for Inborn genetic diseases. Last evaluated: 2024-12-03. Review status: criteria provided, single submitter. Criteria: Ambry Variant Classification Scheme 2023. Collection method: clinical testing. Allele origin: germline.

Mayo Clinic Laboratories, Mayo Clinic
Classification: Uncertain significance. Last evaluated: 2023-05-04. Review status: criteria provided, single submitter. Criteria: ACMG Guidelines, 2015. Collection method: clinical testing. Allele origin: germline. Observed: 1 variant allele.
Comment: PM2

Labcorp Genetics (formerly Invitae), Labcorp
Classification: Uncertain significance. Last evaluated: 2022-08-20. Review status: criteria provided, single submitter. Criteria: Invitae Variant Classification Sherloc (09022015). Collection method: clinical testing. Allele origin: germline.
Comment: This sequence change replaces proline, which is neutral and non-polar, with leucine, which is neutral and non-polar, at codon 1759 of the MCM3AP protein (p.Pro1759Leu). This variant is present in population databases (rs201207310, gnomAD 0.03%). This variant has not been reported in the literature in individuals affected with MCM3AP-related conditions. ClinVar contains an entry for this variant (Variation ID: 1365235). Algorithms developed to predict the effect of missense changes on protein structure and function are either unavailable or do not agree on the potential impact of this missense change (SIFT: "Deleterious"; PolyPhen-2: "Probably Damaging"; Align-GVGD: "Class C15"). In summary, the available evidence is currently insufficient to determine the role of this variant in disease. Therefore, it has been classified as a Variant of Uncertain Significance.

NM_003906.5(MCM3AP):c.5276C>T (p.Pro1759Leu)

Genes: MCM3AP (minichromosome maintenance complex component 3 associated protein; minus strand), MCM3AP-AS1 (MCM3AP antisense RNA 1; plus strand). Cytogenetic location: 21q22.3.
Variant type: single nucleotide variant.
Coding change: c.5276C>T on transcript NM_003906.5 (MANE Select); coding-DNA position 5276, C replaced by T.
Protein change: p.Pro1759Leu; replaces proline 1759 with leucine.
Molecular consequence: missense variant.
Genome position (GRCh38, 1-based): chr21:46,243,485, G>A on the plus strand (C>T on the coding strand, the complement: MCM3AP is on the minus strand). VCF-style: chr21-46243485-G-A. GRCh37 (hg19) VCF-style: chr21-47663399-G-A.
Other names: p.Pro1759Leu; c.5276C>T (NM_003906.3); short protein forms P1759L.
Identifiers: ClinVar variation 1365235 (VCV001365235.8), dbSNP rs201207310, ClinGen allele CA10075914.